The following is an entry in ClinVar:

ClinVar aggregate classification (germline): Pathogenic. Review status: criteria provided, multiple submitters, no conflicts (2 of 4 stars). 3 submissions from 3 submitters: Pathogenic (3). Last evaluated 2011-08-12.

Submissions (3):

ISCA site 14
Classification: Pathogenic. Last evaluated: 2011-08-12. Review status: criteria provided, single submitter. Criteria: Kaminsky et al. (Genet Med. 2011). Collection method: clinical testing. Allele origin: unknown. Affected: yes. Observed: 1 variant allele.
Comment: Copy number variation identified through the course of routine clinical cytogenomic testing in postnatal populations. Clinical assertions have been curated as described in Kaminsky et al. 2011.

ISCA site 17
Classification: Pathogenic. Last evaluated: 2011-08-12. Review status: criteria provided, single submitter. Criteria: Kaminsky et al. (Genet Med. 2011). Collection method: clinical testing. Allele origin: unknown. Affected: yes. Observed: 3 variant alleles. Clinical features observed: Global developmental delay (HP:0001263), Cleft palate (HP:0000175), Developmental delay AND/OR other significant developmental or morphological phenotypes.
Comment: the same text as in the submission from ISCA site 14 above.

ISCA site 4
Classification: Pathogenic. Last evaluated: 2011-08-12. Review status: criteria provided, single submitter. Criteria: Kaminsky et al. (Genet Med. 2011). Collection method: clinical testing. Allele origin: unknown. Affected: yes. Observed: 6 variant alleles. Clinical features observed: Global developmental delay (HP:0001263), Developmental delay AND/OR other significant developmental or morphological phenotypes.
Comment: the same text as in the submission from ISCA site 14 above.

GRCh38/hg38 7q11.23(chr7:73352304-74719013)x1

Genes: FZD9 (frizzled class receptor 9; plus strand), GTF2I (general transcription factor IIi; plus strand), GTF2I-AS1 (GTF2I antisense RNA 1; minus strand), GTF2IRD1 (GTF2I repeat domain containing 1; plus strand), LAT2 (linker for activation of T cells family member 2; plus strand) and 125 more. Cytogenetic location: 7q11.23.
Variant type: copy number loss.
Change: copy number 1 (one copy instead of two) of chr7:73,352,304-74,719,013 (1.37 Mb, GRCh38 coordinates, 1-based), cytogenetic band 7q11.23.
Identifiers: ClinVar variation 160898 (VCV000160898.1).